The following is an entry in ClinVar:

NM_014727.3(KMT2B):c.1690C>T (p.Arg564Ter)

Gene: KMT2B (lysine methyltransferase 2B; plus strand). Cytogenetic location: 19q13.12.
Variant type: single nucleotide variant.
Coding change: c.1690C>T on transcript NM_014727.3 (MANE Select); coding-DNA position 1690, C replaced by T.
Protein change: p.Arg564Ter; replaces arginine 564 with a stop codon.
Molecular consequence: nonsense.
Genome position (GRCh38, 1-based): chr19:35,721,037, C>T. VCF-style: chr19-35721037-C-T. GRCh37 (hg19) VCF-style: chr19-36211939-C-T.
Other names: NM_014727.2:n.1690C>T(p.Arg564Ter); short protein forms R564*.
Identifiers: ClinVar variation 374875 (VCV000374875.3), dbSNP rs1057519283, ClinGen allele CA16043951.

ClinVar aggregate classification (germline): Pathogenic/Likely pathogenic. Review status: criteria provided, multiple submitters, no conflicts (2 of 4 stars). 3 submissions from 3 submitters: Pathogenic (1); Likely pathogenic (1). 1 of the submissions does not count toward it. Last evaluated 2020-03-01.

Conditions:
Dystonia 28, childhood-onset (DYT28). Also called: KMT2B-Related Dystonia (DYT-KMT2B). Identifiers: Orphanet 589618, MedGen C4310633, MONDO:0015004, OMIM 617284.

Submissions (3):

Institute of Human Genetics, University of Leipzig Medical Center
Classification: Pathogenic for Dystonia 28, childhood-onset. Last evaluated: 2020-03-01. Review status: criteria provided, single submitter. Criteria: ACMG Guidelines, 2015. Collection method: clinical testing. Allele origin: de novo. Inheritance: Autosomal dominant inheritance. Affected: yes.
Comment: Review of the variants reported in Reuter et al., 2017, PMID: 28097321: PVS1,PS2,PM2

SIB Swiss Institute of Bioinformatics
Classification: Likely pathogenic for Dystonia 28, childhood-onset. Last evaluated: 2018-04-16. Review status: criteria provided, single submitter. Criteria: ACMG Guidelines, 2015. Collection method: curation. Allele origin: germline.
Comment: This variant is interpreted as a Likely Pathogenic, for Dystonia 28, childhood-onset, Autosomal Dominant inheritance. The following ACMG Tag(s) were applied: PM2 => Absent from controls (or at extremely low frequency if recessive) in Exome Sequencing Project, 1000 Genomes Project, or Exome Aggregation Consortium. PVS1-Strong => PVS1 downgraded in strength to Strong. PM6 => Assumed de novo, but without confirmation of paternity and maternity (PMID:27992417).

OMIM
Classification: Pathogenic for DYSTONIA 28, CHILDHOOD-ONSET. Last evaluated: 2017-02-01. Review status: no assertion criteria provided. Collection method: literature only. Allele origin: germline. Not counted in ClinVar's aggregate classification.

Literature cited by the submitters: PubMed 27992417 (cited by SIB Swiss Institute of Bioinformatics and OMIM).